The following is an entry in ClinVar:

NM_005458.8(GABBR2):c.325G>A (p.Asp109Asn)

Gene: GABBR2 (gamma-aminobutyric acid type B receptor subunit 2; minus strand). Cytogenetic location: 9q22.33.
Variant type: single nucleotide variant.
Coding change: c.325G>A on transcript NM_005458.8 (MANE Select); coding-DNA position 325, G replaced by A.
Protein change: p.Asp109Asn; replaces aspartic acid 109 with asparagine.
Molecular consequence: missense variant.
Genome position (GRCh38, 1-based): chr9:98,578,069, C>T on the plus strand (G>A on the coding strand, the complement: GABBR2 is on the minus strand). VCF-style: chr9-98578069-C-T. GRCh37 (hg19) VCF-style: chr9-101340351-C-T.
Other names: short protein forms D109N.
Identifiers: ClinVar variation 2502063 (VCV002502063.2), dbSNP rs1588236457, ClinGen allele CA374350260.

ClinVar aggregate classification (germline): Uncertain significance. Review status: criteria provided, multiple submitters, no conflicts (2 of 4 stars). 2 submissions from 2 submitters: Uncertain significance (2). Last evaluated 2022-10-26.

Allele frequency attached by ClinVar (database versions not stated): gnomAD exomes below 0.00001; TOPMed below 0.00001.
gnomAD v4.1: 2 of 1,613,698 alleles (0.00012%); highest among the groups gnomAD compares: Non-Finnish European, 0.00017%; no homozygotes.

Submissions (2):

GeneDx
Classification: Uncertain significance. Last evaluated: 2022-10-26. Review status: criteria provided, single submitter. Criteria: GeneDx Variant Classification Process June 2021. Collection method: clinical testing. Allele origin: germline. Affected: yes.
Comment: Not observed at significant frequency in large population cohorts (gnomAD); In silico analysis supports that this missense variant does not alter protein structure/function; Has not been previously published as pathogenic or benign to our knowledge

Blueprint Genetics
Classification: Uncertain significance. Last evaluated: 2021-04-28. Review status: criteria provided, single submitter. Criteria: ACMG Guidelines, 2015. Collection method: clinical testing. Allele origin: germline.